The following is an entry in ClinVar:

ClinVar aggregate classification (germline): Pathogenic. Review status: criteria provided, multiple submitters, no conflicts (2 of 4 stars). 14 submissions from 14 submitters: Pathogenic (9). 5 of the submissions do not count toward it. Last evaluated 2026-05-29.
ClinVar aggregate classification (oncogenicity): Likely oncogenic (1 of 4 stars; one submission).

Conditions:
Hereditary cancer-predisposing syndrome. Also called: Tumor predisposition; Hereditary neoplastic syndrome; Neoplastic Syndromes, Hereditary; Hereditary Cancer Syndrome. Identifiers: Orphanet 140162, MedGen C0027672, MeSH D009386, MONDO:0015356.
Familial adenomatous polyposis 1 (FAP1). Also called: FAMILIAL ADENOMATOUS POLYPOSIS 1, ATTENUATED; POLYPOSIS, ADENOMATOUS INTESTINAL. Identifiers: MedGen C2713442, MONDO:0021056, OMIM 175100. Disease mechanism: loss of function.
Carcinoma of colon (CRC). Also called: Colonic carcinoma; Colon carcinoma. Identifiers: MedGen C0699790, MONDO:0002032.
Familial multiple polyposis syndrome (FAP). Also called: Familial adenomatous polyposis; Familial intestinal polyposis; Classic familial adenomatous polyposis; Familial Adenomatous Polyposis (FAP); Familial polyposis. Identifiers: Orphanet 733, MedGen C0032580, MONDO:0021055. Disease mechanism: loss of function.
Neoplasm. Also called: Neoplasms; Neoplasm (disease); tumor. Identifiers: MedGen C0027651, MeSH D009369, MONDO:0005070, HP:0002664.

Submissions 1 to 12 of 15:

Diller/Parad Lab, Dana-Farber/Harvard Cancer Center
Classification: Pathogenic for Familial adenomatous polyposis 1. Last evaluated: 2026-05-29. Review status: criteria provided, single submitter. Criteria: ACMG Guidelines, 2015. Collection method: research. Allele origin: germline. Affected: yes.
Comment: It has been classified as Pathogenic using Richards et al (PMID:25741868) based on the following evidence codes: PM2, PVS1, PP5.

Labcorp Genetics (formerly Invitae), Labcorp
Classification: Pathogenic for Familial adenomatous polyposis 1. Last evaluated: 2025-09-29. Review status: criteria provided, single submitter. Criteria: Invitae Variant Classification Sherloc (09022015). Collection method: clinical testing. Allele origin: germline.
Comment: This sequence change creates a premature translational stop signal (p.Arg1114*) in the APC gene. While this is not anticipated to result in nonsense mediated decay, it is expected to disrupt the last 1730 amino acid(s) of the APC protein. This variant is not present in population databases (gnomAD no frequency). This premature translational stop signal has been observed in individual(s) with familial adenomatous polyposis (FAP) and attenuated FAP (PMID: 1338764, 16134147, 20223039, 20685668). ClinVar contains an entry for this variant (Variation ID: 236589). This variant is expected to disrupt the EB1 and HDLG binding sites, which mediate interactions with the cytoskeleton (PMID: 15311282, 17293347). While functional studies have not been performed to directly test the effect on APC protein function, this suggests that disruption of the C-terminal portion of the protein is functionally important. A different truncation (p.Tyr2645Lysfs*14) that lies downstream of this variant has been determined to be pathogenic (PMID: 9824584, 1316610, 27081525, 8381579, 22135120, internal data). This suggests that deletion of this region of the APC protein is causative of disease. For these reasons, this variant has been classified as Pathogenic.

Center for Genomic Medicine, Rigshospitalet, Copenhagen University Hospital
Classification: Likely oncogenic for Neoplasm. Last evaluated: 2025-03-04. Review status: criteria provided, single submitter. Criteria: ClinGen/CGC/VICC Guidelines for Oncogenicity, 2022. Collection method: clinical testing. Allele origin: somatic. Affected: yes.

Molecular Pathology, Peter Maccallum Cancer Centre
Classification: Pathogenic for Familial adenomatous polyposis 1. Last evaluated: 2024-11-04. Review status: criteria provided, single submitter. Criteria: ACMG Guidelines, 2015. Collection method: clinical testing. Allele origin: germline. Inheritance: Autosomal dominant inheritance.

GeneDx
Classification: Pathogenic. Last evaluated: 2024-09-11. Review status: criteria provided, single submitter. Criteria: GeneDx Variant Classification Process June 2021. Collection method: clinical testing. Allele origin: germline. Affected: yes.
Comment: Published functional studies demonstrate damaged APC protein function (PMID: 14633595); Nonsense variant predicted to result in protein truncation or nonsense mediated decay in a gene for which loss of function is a known mechanism of disease; Not observed at significant frequency in large population cohorts (gnomAD); This variant is associated with the following publications: (PMID: 1316610, 23159591, 1338764, 24664542, 19793053, 28007021, 20223039, 16134147, 20685668, 20924072, 37937776, 14633595, 34897210, 22987206)

Myriad Genetics, Inc.
Classification: Pathogenic for Familial adenomatous polyposis 1. Last evaluated: 2023-05-08. Review status: criteria provided, single submitter. Criteria: Myriad Autosomal Dominant, Autosomal Recessive and X-Linked Classification Criteria (2023). Collection method: clinical testing. Allele origin: unknown.
Comment: This variant is considered pathogenic. This variant creates a termination codon and is predicted to result in premature protein truncation.

Baylor Genetics
Classification: Pathogenic for Familial adenomatous polyposis 1. Last evaluated: 2023-04-19. Review status: criteria provided, single submitter. Criteria: ACMG Guidelines, 2015. Collection method: clinical testing. Allele origin: unknown.

Ambry Genetics
Classification: Pathogenic for Hereditary cancer-predisposing syndrome. Last evaluated: 2022-11-07. Review status: criteria provided, single submitter. Criteria: Ambry Variant Classification Scheme 2023. Collection method: clinical testing. Allele origin: germline.
Comment: The p.R1114* pathogenic mutation (also known as c.3340C>T), located in coding exon 15 of the APC gene, results from a C to T substitution at nucleotide position 3340. This changes the amino acid from an arginine to a stop codon within coding exon 15. This mutation has been reported in multiple families with familial adenomatous polyposis (FAP) (Nagase H et al. Hum. Mutat. 1992;1:467-73; Friedl W et al. Hered Cancer Clin Pract. 2005 Sep;3:95-114; Rivera B et al. Ann. Oncol. 2011 Apr;22:903-9; Schwarzov&aacute; L et al. Fam. Cancer, 2013 Mar;12:35-42). This variant is considered to be rare based on population cohorts in the Genome Aggregation Database (gnomAD). In addition to the clinical data presented in the literature, this alteration is expected to result in loss of function by premature protein truncation. As such, this alteration is interpreted as a disease-causing mutation.

Color Diagnostics, LLC DBA Color Health
Classification: Pathogenic for Hereditary cancer-predisposing syndrome. Last evaluated: 2019-10-18. Review status: criteria provided, single submitter. Criteria: ACMG Guidelines, 2015. Collection method: clinical testing. Allele origin: germline.
Comment: This variant changes 1 nucleotide in exon 16 of the APC gene, creating a premature translation stop signal. This variant is expected to result in an absent or non-functional protein product. Splice site prediction tools suggest that this variant may not impact RNA splicing. To our knowledge, functional studies have not been performed for this variant. This variant has been reported in individuals affected with polyposis and familial adenomatous polyposis (PMID: 1338764, 20685668, 20223039, 16134147). This variant has not been identified in the general population by the Genome Aggregation Database (gnomAD). Loss of APC function is a known mechanism of disease. Based on the available evidence, this variant is classified as Pathogenic.

Women's Health and Genetics/Laboratory Corporation of America, LabCorp
Classification: Pathogenic for Familial adenomatous polyposis. Last evaluated: 2019-02-27. Review status: criteria provided, single submitter. Criteria: LabCorp Variant Classification Summary - May 2015. Collection method: clinical testing. Allele origin: germline.
Comment: Variant summary: APC c.3340C>T (p.Arg1114X) results in a premature termination codon, predicted to cause a truncation of the encoded protein or absence of the protein due to nonsense mediated decay, which are commonly known mechanisms for disease. Truncations downstream of this position have been classified as pathogenic by our laboratory (c.3927_3931delAAAGA, p.Glu1309fsX4; c.4393_4394dupAG, p.Ser1465fsX9; c.5582_5585delCTTT, p.Ser1861fsX1). The variant was absent in 245192 control chromosomes. c.3340C>T has been reported in the literature in multiple individuals affected with Familial Adenomatous Polyposis (Ficari_2000, Friedl_2005, Kanter-Smoler_2008). These data indicate that the variant is very likely to be associated with disease. To our knowledge, no experimental evidence demonstrating an impact on protein function has been reported. Three clinical diagnostic laboratories have submitted clinical-significance assessments for this variant to ClinVar after 2014 without evidence for independent evaluation. All laboratories classified the variant as pathogenic. Based on the evidence outlined above, the variant was classified as pathogenic.

deCODE genetics, Amgen
Classification: Likely pathogenic for Familial adenomatous polyposis 1. Last evaluated: 2023-07-21. Review status: no assertion criteria provided. Collection method: research. Allele origin: germline. Affected: yes. Observed: 1 variant allele. Not counted in ClinVar's aggregate classification.
Comment: The variant NM_000038.6:c.3340C>T (chr5:112838934) in APC was detected in 1 heterozygote out of 58K WGS Icelanders (MAF= 0,001%). This variant has been reported in ClinVar previously as pathogenic. Based on ACMG criteria (PVS1, PM2) this variant classifies as likely pathogenic.

Clinical Genetics DNA and cytogenetics Diagnostics Lab, Erasmus MC, Erasmus Medical Center
Classification: Pathogenic. Review status: no assertion criteria provided. Collection method: clinical testing. Allele origin: germline. Affected: yes. Study: VKGL Data-share Consensus. Not counted in ClinVar's aggregate classification.

NM_000038.6(APC):c.3340C>T (p.Arg1114Ter)

Gene: APC (APC regulator of Wnt signaling pathway; plus strand). Cytogenetic location: 5q22.2.
Variant type: single nucleotide variant.
Coding change: c.3340C>T on transcript NM_000038.6 (MANE Select); coding-DNA position 3340, C replaced by T.
Protein change: p.Arg1114Ter; replaces arginine 1114 with a stop codon.
Molecular consequence: nonsense.
Genome position (GRCh38, 1-based): chr5:112,838,934, C>T. VCF-style: chr5-112838934-C-T. GRCh37 (hg19) VCF-style: chr5-112174631-C-T.
Other names: c.3340C>T, p.Arg1114Ter (NM_001127510.3, NM_001354895.2); c.3286C>T, p.Arg1096Ter (NM_001127511.3); c.3394C>T, p.Arg1132Ter (NM_001354896.2); c.3370C>T, p.Arg1124Ter (NM_001354897.2); c.3265C>T, p.Arg1089Ter (NM_001354898.2); c.3256C>T, p.Arg1086Ter (NM_001354899.2); c.3217C>T, p.Arg1073Ter (NM_001354900.2); c.3163C>T, p.Arg1055Ter (NM_001354901.2); and 5 more; short protein forms R1096*, R1114*, R1013*, R1023*, R1073*, R1086*, R1089*, R1124*.
Identifiers: ClinVar variation 236589 (VCV000236589.44), dbSNP rs121913331, ClinGen allele CA10582306.